The following is an entry in ClinVar:

NM_001128840.3(CACNA1D):c.4460G>A (p.Arg1487Lys)

Gene: CACNA1D (calcium voltage-gated channel subunit alpha1 D; plus strand). Cytogenetic location: 3p21.1.
Variant type: single nucleotide variant.
Coding change: c.4460G>A on transcript NM_001128840.3 (MANE Select); coding-DNA position 4460, G replaced by A.
Protein change: p.Arg1487Lys; replaces arginine 1487 with lysine.
Molecular consequence: missense variant.
Genome position (GRCh38, 1-based): chr3:53,776,700, G>A. VCF-style: chr3-53776700-G-A. GRCh37 (hg19) VCF-style: chr3-53810727-G-A.
Other names: c.4520G>A, p.Arg1507Lys (NM_000720.4); c.4415G>A, p.Arg1472Lys (NM_001128839.3); short protein forms R1472K, R1487K, R1507K.
Identifiers: ClinVar variation 2108454 (VCV002108454.4), dbSNP rs2474254275, ClinGen allele CA353243108.

ClinVar aggregate classification (germline): Uncertain significance (1 of 4 stars; one submission).

Submission:

Labcorp Genetics (formerly Invitae), Labcorp
Classification: Uncertain significance. Last evaluated: 2023-01-24. Review status: criteria provided, single submitter. Criteria: Invitae Variant Classification Sherloc (09022015). Collection method: clinical testing. Allele origin: germline.
Comment: This sequence change replaces arginine, which is basic and polar, with lysine, which is basic and polar, at codon 1507 of the CACNA1D protein (p.Arg1507Lys). This variant is not present in population databases (gnomAD no frequency). This variant has not been reported in the literature in individuals affected with CACNA1D-related conditions. Advanced modeling of protein sequence and biophysical properties (such as structural, functional, and spatial information, amino acid conservation, physicochemical variation, residue mobility, and thermodynamic stability) performed at Invitae indicates that this missense variant is not expected to disrupt CACNA1D protein function. In summary, the available evidence is currently insufficient to determine the role of this variant in disease. Therefore, it has been classified as a Variant of Uncertain Significance.